The following is an entry in ClinVar:

NM_000297.4(PKD2):c.1033T>A (p.Tyr345Asn)

Gene: PKD2 (polycystin 2, transient receptor potential cation channel; plus strand). Cytogenetic location: 4q22.1.
Variant type: single nucleotide variant.
Coding change: c.1033T>A on transcript NM_000297.4 (MANE Select); coding-DNA position 1033, T replaced by A.
Protein change: p.Tyr345Asn; replaces tyrosine 345 with asparagine.
Molecular consequence: missense variant. On other transcripts: non-coding transcript variant (1).
Genome position (GRCh38, 1-based): chr4:88,038,440, T>A. VCF-style: chr4-88038440-T-A. GRCh37 (hg19) VCF-style: chr4-88959592-T-A.
Other names: short protein forms Y345N.
Identifiers: ClinVar variation 1524510 (VCV001524510.6), dbSNP rs1485588385, ClinGen allele CA357633064.

ClinVar aggregate classification (germline): Likely pathogenic (1 of 4 stars; one submission).

Conditions:
Autosomal dominant polycystic kidney disease. Identifiers: Orphanet 730, MedGen C0085413, MONDO:0004691.

Submission:

Labcorp Genetics (formerly Invitae), Labcorp
Classification: Likely pathogenic for Autosomal dominant polycystic kidney disease. Last evaluated: 2021-08-25. Review status: criteria provided, single submitter. Criteria: Invitae Variant Classification Sherloc (09022015). Collection method: clinical testing. Allele origin: germline.
Comment: In summary, the currently available evidence indicates that the variant is pathogenic, but additional data are needed to prove that conclusively. Therefore, this variant has been classified as Likely Pathogenic. This variant disrupts the p.Tyr345 amino acid residue in PKD2. Other variant(s) that disrupt this residue have been observed in individuals with PKD2-related conditions (PMID: 22185115; Invitae), which suggests that this may be a clinically significant amino acid residue. Algorithms developed to predict the effect of missense changes on protein structure and function are either unavailable or do not agree on the potential impact of this missense change (SIFT: "Deleterious"; PolyPhen-2: "Probably Damaging"; Align-GVGD: "Class C0"). This missense change has been observed in individual(s) with Polycystic kidney disease (Invitae). It has also been observed to segregate with disease in related individuals. This variant is not present in population databases (ExAC no frequency). This sequence change replaces tyrosine with asparagine at codon 345 of the PKD2 protein (p.Tyr345Asn). The tyrosine residue is highly conserved and there is a large physicochemical difference between tyrosine and asparagine.

Literature cited by the submitters: PubMed 22185115.